The following is an entry in ClinVar:

NM_025000.4(DCAF17):c.1433A>T (p.His478Leu)

Gene: DCAF17 (DDB1 and CUL4 associated factor 17; plus strand). Cytogenetic location: 2q31.1.
Variant type: single nucleotide variant.
Coding change: c.1433A>T on transcript NM_025000.4 (MANE Select); coding-DNA position 1433, A replaced by T.
Protein change: p.His478Leu; replaces histidine 478 with leucine.
Molecular consequence: missense variant. On other transcripts: non-coding transcript variant (1).
Genome position (GRCh38, 1-based): chr2:171,480,984, A>T. VCF-style: chr2-171480984-A-T. GRCh37 (hg19) VCF-style: chr2-172337494-A-T.
Other names: c.1232A>T, p.His411Leu (NM_001164821.2); short protein forms H478L, H411L.
Identifiers: ClinVar variation 1354715 (VCV001354715.6), dbSNP rs1279189246, ClinGen allele CA349279767.
Genomic context (GRCh38, chr2:171,480,984, plus strand): 5'-GTGAATATGGCTGTGTGAAAAGGACTCCATATGATTGTGTTTTGTTACAGACATATAGCC[A>T]TGAAGTCTACTTTGACAGAGACTTGGTGCTACACATAGAGCAGAAACCCAACAGAGTCTT-3'
Protein context (NP_079276.2, residues 468-488): LVESWDVTYS[His478Leu]EVYFDRDLVL

ClinVar aggregate classification (germline): Uncertain significance (1 of 4 stars; one submission).

Conditions:
Woodhouse-Sakati syndrome. Also called: Hypogonadism, Alopecia, Diabetes Mellitus, Mental Retardation, and Extrapyramidal Syndrome; Hypogonadism, diabetes mellitus, alopecia, mental retardation and electrocardiographic abnormalities; EXTRAPYRAMIDAL DISORDER, PROGRESSIVE, WITH PRIMARY HYPOGONADISM, MENTAL RETARDATION, AND ALOPECIA. Identifiers: Orphanet 3464, MedGen C0342286, MONDO:0009419, OMIM 241080.

gnomAD v4.1: 1 of 1,613,690 alleles (0.000062%); highest among the groups gnomAD compares: Non-Finnish European, 0.000085%; no homozygotes.

Submission:

Labcorp Genetics (formerly Invitae), Labcorp
Classification: Uncertain significance for Woodhouse-Sakati syndrome. Last evaluated: 2022-07-05. Review status: criteria provided, single submitter. Criteria: Invitae Variant Classification Sherloc (09022015). Collection method: clinical testing. Allele origin: germline.
Comment: In summary, the available evidence is currently insufficient to determine the role of this variant in disease. Therefore, it has been classified as a Variant of Uncertain Significance. Algorithms developed to predict the effect of missense changes on protein structure and function are either unavailable or do not agree on the potential impact of this missense change (SIFT: "Deleterious"; PolyPhen-2: "Possibly Damaging"; Align-GVGD: "Class C0"). ClinVar contains an entry for this variant (Variation ID: 1354715). This variant has not been reported in the literature in individuals affected with DCAF17-related conditions. This variant is present in population databases (no rsID available, gnomAD 0.007%). This sequence change replaces histidine, which is basic and polar, with leucine, which is neutral and non-polar, at codon 478 of the DCAF17 protein (p.His478Leu).